The following is an entry in ClinVar:

NM_001204.7(BMPR2):c.445G>A (p.Glu149Lys)

Gene: BMPR2 (bone morphogenetic protein receptor type 2; plus strand). Cytogenetic location: 2q33.2.
Variant type: single nucleotide variant.
Coding change: c.445G>A on transcript NM_001204.7 (MANE Select); coding-DNA position 445, G replaced by A.
Protein change: p.Glu149Lys; replaces glutamic acid 149 with lysine.
Molecular consequence: missense variant.
Genome position (GRCh38, 1-based): chr2:202,513,745, G>A. VCF-style: chr2-202513745-G-A. GRCh37 (hg19) VCF-style: chr2-203378468-G-A.
Other names: short protein forms E149K.
Identifiers: ClinVar variation 3992191 (VCV003992191.1).
Genomic context (GRCh38, chr2:202,513,745, plus strand): 5'-AAAAAATGACATTTCAAAATTTGTTTTCTTTTAGGTCCACCTCATTCATTTAACCGAGAT[G>A]AGACAATAATCATTGCTTTGGCATCAGTCTCTGTATTAGCTGTTTTGATAGTTGCCTTAT-3'
Protein context (NP_001195.2, residues 139-159): LSPPHSFNRD[Glu149Lys]TIIIALASVS

ClinVar aggregate classification (germline): Uncertain significance (1 of 4 stars; one submission).

Conditions:
Inborn genetic diseases. Identifiers: MedGen C0950123, MeSH D030342.

gnomAD v4.1: 5 of 1,613,236 alleles (0.00031%); highest among the groups gnomAD compares: African/African-American, 0.0067%; no homozygotes.

Submission:

Ambry Genetics
Classification: Uncertain significance for Inborn genetic diseases. Last evaluated: 2025-05-19. Review status: criteria provided, single submitter. Criteria: Ambry Variant Classification Scheme 2023. Collection method: clinical testing. Allele origin: germline.
Comment: The p.E149K variant (also known as c.445G>A), located in coding exon 4 of the BMPR2 gene, results from a G to A substitution at nucleotide position 445. The glutamic acid at codon 149 is replaced by lysine, an amino acid with similar properties. This amino acid position is conserved. In addition, this alteration is predicted to be deleterious by in silico analysis. Based on the available evidence, the clinical significance of this variant remains unclear.